The following is an entry in ClinVar:

NM_000051.4(ATM):c.4236+11A>G

Gene: ATM (ATM serine/threonine kinase; plus strand). Cytogenetic location: 11q22.3.
Variant type: single nucleotide variant.
Coding change: c.4236+11A>G on transcript NM_000051.4 (MANE Select); 11 bases into the intron after coding-DNA position 4236, A replaced by G.
Molecular consequence: intron variant.
Genome position (GRCh38, 1-based): chr11:108,289,114, A>G. VCF-style: chr11-108289114-A-G. GRCh37 (hg19) VCF-style: chr11-108159841-A-G.
Other names: c.4236+11A>G (NM_001351834.2).
Identifiers: ClinVar variation 379277 (VCV000379277.12), dbSNP rs368684533, ClinGen allele CA6265418.

ClinVar aggregate classification (germline): Benign/Likely benign. Review status: criteria provided, multiple submitters, no conflicts (2 of 4 stars). 4 submissions from 4 submitters: Benign (1); Likely benign (3). Last evaluated 2026-01-07.

Conditions:
Hereditary cancer-predisposing syndrome. Also called: Hereditary neoplastic syndrome; Tumor predisposition; Neoplastic Syndromes, Hereditary; Hereditary Cancer Syndrome. Identifiers: Orphanet 140162, MedGen C0027672, MeSH D009386, MONDO:0015356.
Ataxia-telangiectasia syndrome (AT). Also called: LOUIS-BAR SYNDROME; ATAXIA-TELANGIECTASIA, COMPLEMENTATION GROUP A; ATAXIA-TELANGIECTASIA, FRESNO VARIANT; Ataxia-telangiectasia; Ataxia telangiectasia (A-T); Cerebello-oculocutaneous telangiectasia. Identifiers: Orphanet 100, MedGen C0004135, MONDO:0008840, OMIM 208900.

Allele frequency attached by ClinVar (database versions not stated): gnomAD 0.00001 and 0.00002; gnomAD exomes 0.00001 and 0.00002; TOPMed 0.00001; ExAC 0.00002; ESP Exome Variant Server 0.00008; 1000 Genomes Project 0.00020; 1000 Genomes Project 30x 0.00031.
gnomAD v4.1: 31 of 1,603,282 alleles (0.0019%); highest among the groups gnomAD compares: African/African-American, 0.0027%; no homozygotes.

Submissions (4):

Labcorp Genetics (formerly Invitae), Labcorp
Classification: Likely benign for Ataxia-telangiectasia syndrome. Last evaluated: 2026-01-07. Review status: criteria provided, single submitter. Criteria: Invitae Variant Classification Sherloc (09022015). Collection method: clinical testing. Allele origin: germline.

Sema4
Classification: Likely benign for Hereditary cancer-predisposing syndrome. Last evaluated: 2021-03-16. Review status: criteria provided, single submitter. Criteria: Sema4 Curation Guidelines. Collection method: curation. Allele origin: germline.

Color Diagnostics, LLC DBA Color Health
Classification: Likely benign for Hereditary cancer-predisposing syndrome. Last evaluated: 2017-05-26. Review status: criteria provided, single submitter. Criteria: ACMG Guidelines, 2015. Collection method: clinical testing. Allele origin: germline.

GeneDx
Classification: Benign. Last evaluated: 2015-05-15. Review status: criteria provided, single submitter. Criteria: GeneDx Variant Classification (06012015). Collection method: clinical testing. Allele origin: germline. Affected: yes.
Comment: This variant is considered likely benign or benign based on one or more of the following criteria: it is a conservative change, it occurs at a poorly conserved position in the protein, it is predicted to be benign by multiple in silico algorithms, and/or has population frequency not consistent with disease.